The following continues an entry in ClinVar:

NM_002878.4(RAD51D):c.164G>A (p.Arg55Gln)

ClinVar aggregate classification (germline): Uncertain significance. Uncertain significance (13).

Submissions 11 to 14 of 14:

Color Diagnostics, LLC DBA Color Health
Classification: Uncertain significance for Hereditary cancer-predisposing syndrome. Last evaluated: 2020-01-30. Review status: criteria provided, single submitter. Criteria: ACMG Guidelines, 2015. Collection method: clinical testing. Allele origin: germline.
Comment: This missense variant replaces arginine with glutamine at codon 55 of the RAD51D protein. Computational prediction suggests that this variant may not impact protein structure and function (internally defined REVEL score threshold <= 0.5, PMID: 27666373). Splice site prediction tools suggest that this variant may not impact RNA splicing. To our knowledge, functional studies have not been performed for this variant. This variant has not been reported in individuals affected with hereditary cancer in the literature. This variant has been identified in 4/282618 chromosomes in the general population by the Genome Aggregation Database (gnomAD). The available evidence is insufficient to determine the role of this variant in disease conclusively. Therefore, this variant is classified as a Variant of Uncertain Significance.

GeneKor MSA
Classification: Uncertain significance for Hereditary cancer-predisposing syndrome. Last evaluated: 2018-08-01. Review status: criteria provided, single submitter. Criteria: ACMG Guidelines, 2015. Collection method: clinical testing. Allele origin: germline. Affected: yes.

Mendelics
Classification: Uncertain significance for Hereditary breast and ovarian cancer syndrome. Last evaluated: 2018-07-02. Review status: criteria provided, single submitter. Criteria: Mendelics Assertion Criteria 2017. Collection method: clinical testing. Allele origin: unknown.

Department of Pathology and Laboratory Medicine, Sinai Health System
Classification: Uncertain significance for Malignant tumor of breast. Review status: no assertion criteria provided. Collection method: clinical testing. Allele origin: unknown. Affected: yes. Study: The Canadian Open Genetics Repository (COGR). Not counted in ClinVar's aggregate classification.
Comment: The RAD51D p.Arg55Gln variant was not identified in the literature. The variant was identified in dbSNP (ID: rs151198586) as "With Uncertain significance allele", and in ClinVar (classified as uncertain significance by Invitae, Ambry Genetics, GeneDx and three other submitters). The variant was identified in control databases in 3 of 277022 chromosomes at a frequency of 0.00001 (Genome Aggregation Database Feb 27, 2017). The variant was observed in the following populations: European in 1 of 126604 chromosomes (freq: 0.000008), East Asian in 1 of 18864 chromosomes (freq: 0.00005), and South Asian in 1 of 30780 chromosomes (freq: 0.00003), while the variant was not observed in the African, Other, Latino, Ashkenazi Jewish, and Finnish populations. The p.Arg55 residue is conserved in mammals and computational analyses (PolyPhen-2, SIFT, AlignGVGD, BLOSUM, MutationTaster) provide inconsistent predictions regarding the impact to the protein; this information is not very predictive of pathogenicity. The variant occurs outside of the splicing consensus sequence and 2 of 4 in silico or computational prediction software programs (SpliceSiteFinder, MaxEntScan, NNSPLICE, GeneSplicer) predict a greater than 10% difference in splicing. However, this information is not predictive enough to assume pathogenicity. In summary, based on the above information the clinical significance of this variant cannot be determined with certainty at this time. This variant is classified as a variant of uncertain significance.

Literature cited by the submitters: PubMed 32068069 (cited by 3 submitters); PubMed 31159747 (cited by 4 submitters); PubMed 32832836 (cited by Ambry Genetics); PubMed 32885271 (cited by Ambry Genetics).